The following is an entry in ClinVar:

ClinVar aggregate classification (germline): Conflicting classifications of pathogenicity. Review status: criteria provided, conflicting classifications (1 of 4 stars). 2 submissions from 2 submitters: Uncertain significance (1); Likely benign (1). Last evaluated 2025-05-03.

Conditions:
Hereditary cancer-predisposing syndrome. Also called: Neoplastic Syndromes, Hereditary; Tumor predisposition; Hereditary Cancer Syndrome; Hereditary neoplastic syndrome. Identifiers: Orphanet 140162, MedGen C0027672, MeSH D009386, MONDO:0015356.
Neuroblastoma, susceptibility to, 3. Also called: ALK-Related Neuroblastic Tumor Susceptibility. Identifiers: Orphanet 635, MedGen C2751681, MONDO:0013083, OMIM 613014.

Allele frequency attached by ClinVar (database versions not stated): gnomAD exomes below 0.00001; ExAC 0.00001.
gnomAD v4.1: 1 of 1,614,102 alleles (0.000062%); highest among the groups gnomAD compares: Non-Finnish European, 0.000085%; no homozygotes.

Submissions (2):

Ambry Genetics
Classification: Likely benign for Hereditary cancer-predisposing syndrome. Last evaluated: 2025-05-03. Review status: criteria provided, single submitter. Criteria: Ambry Variant Classification Scheme 2023. Collection method: clinical testing. Allele origin: germline.

Labcorp Genetics (formerly Invitae), Labcorp
Classification: Uncertain significance for Neuroblastoma, susceptibility to, 3. Last evaluated: 2023-06-11. Review status: criteria provided, single submitter. Criteria: Invitae Variant Classification Sherloc (09022015). Collection method: clinical testing. Allele origin: germline.
Comment: In summary, the available evidence is currently insufficient to determine the role of this variant in disease. Therefore, it has been classified as a Variant of Uncertain Significance. Algorithms developed to predict the effect of missense changes on protein structure and function output the following: SIFT: "Not Available"; PolyPhen-2: "Benign"; Align-GVGD: "Not Available". The alanine amino acid residue is found in multiple mammalian species, which suggests that this missense change does not adversely affect protein function. ClinVar contains an entry for this variant (Variation ID: 538208). This variant has not been reported in the literature in individuals affected with ALK-related conditions. This variant is present in population databases (rs747000305, gnomAD 0.0009%). This sequence change replaces valine, which is neutral and non-polar, with alanine, which is neutral and non-polar, at codon 597 of the ALK protein (p.Val597Ala).

NM_004304.5(ALK):c.1790T>C (p.Val597Ala)

Gene: ALK (ALK receptor tyrosine kinase; minus strand). Cytogenetic location: 2p23.2.
Variant type: single nucleotide variant.
Coding change: c.1790T>C on transcript NM_004304.5 (MANE Select); coding-DNA position 1790, T replaced by C.
Protein change: p.Val597Ala; replaces valine 597 with alanine.
Molecular consequence: missense variant.
Genome position (GRCh38, 1-based): chr2:29,296,915, A>G on the plus strand (T>C on the coding strand, the complement: ALK is on the minus strand). VCF-style: chr2-29296915-A-G. GRCh37 (hg19) VCF-style: chr2-29519781-A-G.
Other names: short protein forms V597A.
Identifiers: ClinVar variation 538208 (VCV000538208.9), dbSNP rs747000305, ClinGen allele CA1594536.